The following is an entry in ClinVar:

ClinVar aggregate classification (germline): Uncertain significance (1 of 4 stars; one submission).

Submission:

Labcorp Genetics (formerly Invitae), Labcorp
Classification: Uncertain significance. Last evaluated: 2024-09-04. Review status: criteria provided, single submitter. Criteria: Invitae Variant Classification Sherloc (09022015). Collection method: clinical testing. Allele origin: germline.
Comment: This sequence change replaces alanine, which is neutral and non-polar, with valine, which is neutral and non-polar, at codon 400 of the IL12RB2 protein (p.Ala400Val). This variant is not present in population databases (gnomAD no frequency). This variant has not been reported in the literature in individuals affected with IL12RB2-related conditions. An algorithm developed to predict the effect of missense changes on protein structure and function outputs the following: PolyPhen-2: "Benign". The valine amino acid residue is found in multiple mammalian species, which suggests that this missense change does not adversely affect protein function. In summary, the available evidence is currently insufficient to determine the role of this variant in disease. Therefore, it has been classified as a Variant of Uncertain Significance.

NM_001374259.2(IL12RB2):c.1199C>T (p.Ala400Val)

Gene: IL12RB2 (interleukin 12 receptor subunit beta 2; plus strand). Cytogenetic location: 1p31.3.
Variant type: single nucleotide variant.
Coding change: c.1199C>T on transcript NM_001374259.2 (MANE Select); coding-DNA position 1199, C replaced by T.
Protein change: p.Ala400Val; replaces alanine 400 with valine.
Molecular consequence: missense variant. On other transcripts: non-coding transcript variant (2).
Genome position (GRCh38, 1-based): chr1:67,351,030, C>T. VCF-style: chr1-67351030-C-T. GRCh37 (hg19) VCF-style: chr1-67816713-C-T.
Other names: c.1199C>T, p.Ala400Val (NM_001258214.1, NM_001258215.1, NM_001258216.1 and 2 more transcripts); short protein forms A400V.
Identifiers: ClinVar variation 3664533 (VCV003664533.2).
Genomic context (GRCh38, chr1:67,351,030, plus strand): 5'-ACACCTCCTGGACCACAGTCATTCCTAGAACCGGAAATTGGGCTGTGGCTGTGTCTGCAG[C>T]AAATTCAAAAGGCAGTTCTCTGCCCACTCGTATTAACATAATGAACCTGTGTGAGGCAGG-3'
Protein context (NP_001361188.1, residues 390-410): TGNWAVAVSA[Ala400Val]NSKGSSLPTR